The following is an entry in ClinVar:

ClinVar aggregate classification (germline): Uncertain significance. Review status: criteria provided, multiple submitters, no conflicts (2 of 4 stars). 2 submissions from 2 submitters: Uncertain significance (2). Last evaluated 2024-11-11.

Allele frequency attached by ClinVar (database versions not stated): ExAC 0.00001.
gnomAD v4.1: 6 of 1,613,932 alleles (0.00037%); highest among the groups gnomAD compares: Non-Finnish European, 0.00042%; no homozygotes.

Submissions (2):

Labcorp Genetics (formerly Invitae), Labcorp
Classification: Uncertain significance. Last evaluated: 2024-11-11. Review status: criteria provided, single submitter. Criteria: Invitae Variant Classification Sherloc (09022015). Collection method: clinical testing. Allele origin: germline.
Comment: This sequence change replaces serine, which is neutral and polar, with arginine, which is basic and polar, at codon 122 of the USH2A protein (p.Ser122Arg). This variant is present in population databases (rs749609528, gnomAD 0.0009%). This variant has not been reported in the literature in individuals affected with USH2A-related conditions. ClinVar contains an entry for this variant (Variation ID: 2183986). Invitae Evidence Modeling of protein sequence and biophysical properties (such as structural, functional, and spatial information, amino acid conservation, physicochemical variation, residue mobility, and thermodynamic stability) indicates that this missense variant is not expected to disrupt USH2A protein function with a negative predictive value of 95%. In summary, the available evidence is currently insufficient to determine the role of this variant in disease. Therefore, it has been classified as a Variant of Uncertain Significance.

GeneDx
Classification: Uncertain significance. Last evaluated: 2024-09-09. Review status: criteria provided, single submitter. Criteria: GeneDx Variant Classification Process June 2021. Collection method: clinical testing. Allele origin: germline. Affected: yes.
Comment: Not observed at significant frequency in large population cohorts (gnomAD); In silico analysis indicates that this missense variant does not alter protein structure/function; Has not been previously published as pathogenic or benign to our knowledge

NM_206933.4(USH2A):c.366C>A (p.Ser122Arg)

Gene: USH2A (usherin; minus strand). Cytogenetic location: 1q41.
Variant type: single nucleotide variant.
Coding change: c.366C>A on transcript NM_206933.4 (MANE Select); coding-DNA position 366, C replaced by A.
Protein change: p.Ser122Arg; replaces serine 122 with arginine.
Molecular consequence: missense variant.
Genome position (GRCh38, 1-based): chr1:216,421,971, G>T on the plus strand (C>A on the coding strand, the complement: USH2A is on the minus strand). VCF-style: chr1-216421971-G-T. GRCh37 (hg19) VCF-style: chr1-216595313-G-T.
Other names: c.366C>A, p.Ser122Arg (NM_007123.6); c.366C>A (NM_206933.2); short protein forms S122R.
Identifiers: ClinVar variation 2183986 (VCV002183986.4), dbSNP rs749609528, ClinGen allele CA1396806.